The following is an entry in ClinVar:

NM_001367561.1(DOCK7):c.5368A>T (p.Met1790Leu)

Gene: DOCK7 (dedicator of cytokinesis 7; minus strand). Cytogenetic location: 1p31.3.
Variant type: single nucleotide variant.
Coding change: c.5368A>T on transcript NM_001367561.1 (MANE Select); coding-DNA position 5368, A replaced by T.
Protein change: p.Met1790Leu; replaces methionine 1790 with leucine.
Molecular consequence: missense variant.
Genome position (GRCh38, 1-based): chr1:62,489,059, T>A on the plus strand (A>T on the coding strand, the complement: DOCK7 is on the minus strand). VCF-style: chr1-62489059-T-A. GRCh37 (hg19) VCF-style: chr1-62954730-T-A.
Other names: c.5341A>T, p.Met1781Leu (NM_001271999.2, NM_001330614.2); c.5248A>T, p.Met1750Leu (NM_001272000.2, NM_001272001.2); c.5275A>T, p.Met1759Leu (NM_033407.4); c.5275A>T (NM_033407.2); short protein forms M1759L, M1781L, M1750L, M1790L.
Identifiers: ClinVar variation 1037959 (VCV001037959.11), dbSNP rs1646380754, ClinGen allele CA340609472.

ClinVar aggregate classification (germline): Uncertain significance. Review status: criteria provided, multiple submitters, no conflicts (2 of 4 stars). 3 submissions from 3 submitters: Uncertain significance (3). Last evaluated 2023-04-11.

Conditions:
Developmental and epileptic encephalopathy, 23 (DEE23). Also called: Epileptic encephalopathy, early infantile, 23. Identifiers: Orphanet 411986, MedGen C4014492, MONDO:0014371, OMIM 615859.
Inborn genetic diseases. Identifiers: MedGen C0950123, MeSH D030342.

Allele frequency attached by ClinVar (database versions not stated): TOPMed below 0.00001; gnomAD exomes 0.00001.

Submissions (3):

Genome-Nilou Lab
Classification: Uncertain significance for Developmental and epileptic encephalopathy, 23. Last evaluated: 2023-04-11. Review status: criteria provided, single submitter. Criteria: ACMG Guidelines, 2015. Collection method: clinical testing. Allele origin: germline. Affected: no.

Ambry Genetics
Classification: Uncertain significance for Inborn genetic diseases. Last evaluated: 2023-03-24. Review status: criteria provided, single submitter. Criteria: Ambry Variant Classification Scheme 2023. Collection method: clinical testing. Allele origin: germline.

Labcorp Genetics (formerly Invitae), Labcorp
Classification: Uncertain significance for Developmental and epileptic encephalopathy, 23. Last evaluated: 2020-11-11. Review status: criteria provided, single submitter. Criteria: Invitae Variant Classification Sherloc (09022015). Collection method: clinical testing. Allele origin: germline.
Comment: This variant has not been reported in the literature in individuals with DOCK7-related conditions. Algorithms developed to predict the effect of missense changes on protein structure and function (SIFT, PolyPhen-2, Align-GVGD) all suggest that this variant is likely to be tolerated, but these predictions have not been confirmed by published functional studies and their clinical significance is uncertain. In summary, the available evidence is currently insufficient to determine the role of this variant in disease. Therefore, it has been classified as a Variant of Uncertain Significance. This variant is not present in population databases (ExAC no frequency). This sequence change replaces methionine with leucine at codon 1781 of the DOCK7 protein (p.Met1781Leu). The methionine residue is highly conserved and there is a small physicochemical difference between methionine and leucine.